The following is an entry in ClinVar:

NM_015231.2(NUP160):c.9C>T (p.His3=)

Genes: NUP160 (nucleoporin 160; minus strand), LOC130005685 (ATAC-STARR-seq lymphoblastoid active region 4704; plus strand). Cytogenetic location: 11p11.2.
Variant type: single nucleotide variant.
Coding change: c.9C>T on transcript NM_015231.2; coding-DNA position 9, C replaced by T.
Protein change: p.His3=; no amino-acid change (histidine 3 retained).
Molecular consequence: synonymous variant (on NM_001318399.1).
Genome position (GRCh38, 1-based): chr11:47,848,412, G>A on the plus strand (C>T on the coding strand, the complement: NUP160 is on the minus strand). VCF-style: chr11-47848412-G-A. GRCh37 (hg19) VCF-style: chr11-47869964-G-A.
Other names: c.9C>T, p.His3= (NM_001318399.1).
Identifiers: ClinVar variation 3052609 (VCV003052609.2), dbSNP rs766857567, ClinGen allele CA222085144.

ClinVar aggregate classification (germline): Likely benign (0 of 4 stars; one submission).

Conditions:
NUP160-related disorder. Also called: NUP160-related condition.

Allele frequency attached by ClinVar (database versions not stated): TOPMed 0.00001.
gnomAD v4.1: 1 of 1,575,060 alleles (0.000063%); no homozygotes.

Submission:

PreventionGenetics, part of Exact Sciences
Classification: Likely benign for NUP160-related condition. Last evaluated: 2019-08-26. Review status: no assertion criteria provided. Collection method: clinical testing. Allele origin: germline.
Comment: This variant is classified as likely benign based on ACMG/AMP sequence variant interpretation guidelines (Richards et al. 2015 PMID: 25741868, with internal and published modifications).